The following is an entry in ClinVar:

ClinVar aggregate classification (germline): Conflicting classifications of pathogenicity. Review status: criteria provided, conflicting classifications (1 of 4 stars). 3 submissions from 3 submitters: Uncertain significance (2); Likely benign (1). Last evaluated 2026-02-01.

Conditions:
Wilson disease (WND). Also called: Wilson's disease. Identifiers: Orphanet 905, MedGen C0019202, MONDO:0010200, OMIM 277900. Disease mechanism: loss of function.

Allele frequency attached by ClinVar (database versions not stated): gnomAD exomes 0.00002 and 0.00006; gnomAD 0.00006 and 0.00009; ExAC 0.00010; TOPMed 0.00010; 1000 Genomes Project 0.00040; 1000 Genomes Project 30x 0.00078.
gnomAD v4.1: 41 of 1,614,104 alleles (0.0025%); highest among the groups gnomAD compares: East Asian, 0.062%; no homozygotes.

Submissions (3):

CeGaT Center for Human Genetics Tuebingen
Classification: Uncertain significance. Last evaluated: 2026-02-01. Review status: criteria provided, single submitter. Criteria: CeGaT Center For Human Genetics Tuebingen Variant Classification Criteria Version 2. Collection method: clinical testing. Allele origin: germline. Affected: yes. Observed: 1 variant allele.
Comment: ATP7B: PM2

Labcorp Genetics (formerly Invitae), Labcorp
Classification: Likely benign for Wilson disease. Last evaluated: 2026-01-19. Review status: criteria provided, single submitter. Criteria: Invitae Variant Classification Sherloc (09022015). Collection method: clinical testing. Allele origin: germline.

Color Diagnostics, LLC DBA Color Health
Classification: Uncertain significance for Wilson disease. Last evaluated: 2025-06-05. Review status: criteria provided, single submitter. Criteria: ACMG Guidelines, 2015. Collection method: clinical testing. Allele origin: germline.
Comment: This missense variant replaces glycine with serine at codon 451 of the ATP7B protein. Computational prediction suggests that this variant may not impact protein structure and function. To our knowledge, functional studies have not been reported for this variant. This variant has been reported with two pathogenic co-variants in an individual affected with Wilson disease, suggesting this variant may not contribute to disease (Qiao et al, 2021). This variant has been identified in 17/280504 chromosomes in the general population by the Genome Aggregation Database (gnomAD). The available evidence is insufficient to determine the role of this variant in disease conclusively. Therefore, this variant is classified as a Variant of Uncertain Significance.

NM_000053.4(ATP7B):c.1351G>A (p.Gly451Ser)

Gene: ATP7B (ATPase copper transporting beta; minus strand). Cytogenetic location: 13q14.3.
Variant type: single nucleotide variant.
Coding change: c.1351G>A on transcript NM_000053.4 (MANE Select); coding-DNA position 1351, G replaced by A.
Protein change: p.Gly451Ser; replaces glycine 451 with serine.
Molecular consequence: missense variant.
Genome position (GRCh38, 1-based): chr13:51,970,684, C>T on the plus strand (G>A on the coding strand, the complement: ATP7B is on the minus strand). VCF-style: chr13-51970684-C-T. GRCh37 (hg19) VCF-style: chr13-52544820-C-T.
Other names: c.1351G>A, p.Gly451Ser (NM_001005918.3, NM_001330578.2, NM_001330579.2); c.1018G>A, p.Gly340Ser (NM_001243182.2); short protein forms G340S, G451S.
Identifiers: ClinVar variation 967484 (VCV000967484.17), dbSNP rs186300062, ClinGen allele CA6989369.